The following is an entry in ClinVar:

ClinVar aggregate classification (germline): Likely benign (1 of 4 stars; one submission).

Conditions:
AFF4-related disorder. Also called: AFF4-related condition.

Submission:

PreventionGenetics, part of Exact Sciences
Classification: Likely benign for AFF4-related condition. Last evaluated: 2025-09-08. Review status: criteria provided, single submitter. Criteria: ACMG Guidelines, 2015. Collection method: clinical testing. Allele origin: germline.
Comment: This variant is classified as likely benign based on ACMG/AMP sequence variant interpretation guidelines (Richards et al. 2015 PMID: 25741868, with internal and published modifications).

NM_014423.4(AFF4):c.3315T>C (p.Tyr1105=)

Gene: AFF4 (ALF transcription elongation factor 4; minus strand). Cytogenetic location: 5q31.1.
Variant type: single nucleotide variant.
Coding change: c.3315T>C on transcript NM_014423.4 (MANE Select); coding-DNA position 3315, T replaced by C.
Protein change: p.Tyr1105=; no amino-acid change (tyrosine 1105 retained).
Molecular consequence: synonymous variant.
Genome position (GRCh38, 1-based): chr5:132,883,389, A>G on the plus strand (T>C on the coding strand, the complement: AFF4 is on the minus strand). VCF-style: chr5-132883389-A-G. GRCh37 (hg19) VCF-style: chr5-132219081-A-G.
Identifiers: ClinVar variation 4982722 (VCV004982722.1).